The following is an entry in ClinVar:

ClinVar aggregate classification (germline): Uncertain significance. Review status: criteria provided, multiple submitters, no conflicts (2 of 4 stars). 4 submissions from 4 submitters: Uncertain significance (4). Last evaluated 2025-10-06.

Conditions:
Hereditary cancer-predisposing syndrome. Also called: Hereditary Cancer Syndrome; Tumor predisposition; Hereditary neoplastic syndrome; Neoplastic Syndromes, Hereditary. Identifiers: Orphanet 140162, MedGen C0027672, MeSH D009386, MONDO:0015356.
Familial adenomatous polyposis 1 (FAP1). Also called: POLYPOSIS, ADENOMATOUS INTESTINAL; FAMILIAL ADENOMATOUS POLYPOSIS 1, ATTENUATED. Identifiers: MedGen C2713442, MONDO:0021056, OMIM 175100. Disease mechanism: loss of function.

Allele frequency attached by ClinVar (database versions not stated): gnomAD exomes below 0.00001.
gnomAD v4.1: 1 of 1,613,980 alleles (0.000062%); highest among the groups gnomAD compares: South Asian, 0.0011%; no homozygotes.

Submissions (4):

Dasa
Classification: Uncertain significance. Last evaluated: 2025-10-06. Review status: criteria provided, single submitter. Criteria: DASA Assertion Criteria. Collection method: clinical testing. Allele origin: germline.
Comment: NM_000038.6(APC):c.1142C>T (p.Ala381Val) is a missense variant that results in the substitution of alanine with valine. This variant is rare in population databases. The currently available literature and clinical evidence are not sufficient to establish a definitive association between this variant and the reported condition. Therefore, this variant is classified as a variant of uncertain significance.

Labcorp Genetics (formerly Invitae), Labcorp
Classification: Uncertain significance for Familial adenomatous polyposis 1. Last evaluated: 2025-06-29. Review status: criteria provided, single submitter. Criteria: Invitae Variant Classification Sherloc (09022015). Collection method: clinical testing. Allele origin: germline.
Comment: This sequence change replaces alanine, which is neutral and non-polar, with valine, which is neutral and non-polar, at codon 381 of the APC protein (p.Ala381Val). This variant is not present in population databases (gnomAD no frequency). This variant has not been reported in the literature in individuals affected with APC-related conditions. ClinVar contains an entry for this variant (Variation ID: 422296). Invitae Evidence Modeling of protein sequence and biophysical properties (such as structural, functional, and spatial information, amino acid conservation, physicochemical variation, residue mobility, and thermodynamic stability) indicates that this missense variant is not expected to disrupt APC protein function with a negative predictive value of 95%. In summary, the available evidence is currently insufficient to determine the role of this variant in disease. Therefore, it has been classified as a Variant of Uncertain Significance.

Ambry Genetics
Classification: Uncertain significance for Hereditary cancer-predisposing syndrome. Last evaluated: 2023-02-01. Review status: criteria provided, single submitter. Criteria: Ambry Variant Classification Scheme 2023. Collection method: clinical testing. Allele origin: germline.
Comment: The p.A381V variant (also known as c.1142C>T), located in coding exon 9 of the APC gene, results from a C to T substitution at nucleotide position 1142. The alanine at codon 381 is replaced by valine, an amino acid with similar properties. This amino acid position is highly conserved in available vertebrate species. In addition, in silico predictors for this gene do not accurately predict pathogenicity. Since supporting evidence is limited at this time, the clinical significance of this alteration remains unclear.

GeneDx
Classification: Uncertain significance. Last evaluated: 2016-09-19. Review status: criteria provided, single submitter. Criteria: GeneDx Variant Classification (06012015). Collection method: clinical testing. Allele origin: germline. Affected: yes.
Comment: This variant is denoted APC c.1142C>T at the cDNA level, p.Ala381Val (A381V) at the protein level, and results in the change of an Alanine to a Valine (GCC>GTC). This variant has not, to our knowledge, been published in the literature as pathogenic or benign. APC Ala381Val was not observed in approximately 6,500 individuals of European and African American ancestry in the NHLBI Exome Sequencing Project, suggesting it is not a common benign variant in these populations. Since Alanine and Valine share similar properties, this is considered a conservative amino acid substitution. APC Ala381Val occurs at a position that is conserved across species and is not located in a known functional domain (Azzopardi 2008). In silico analyses are inconsistent regarding the effect this variant may have on protein structure and function. Based on currently available evidence, it is unclear whether APC Ala381Val is a pathogenic or benign variant. We consider it to be a variant of uncertain significance.

NM_000038.6(APC):c.1142C>T (p.Ala381Val)

Gene: APC (APC regulator of Wnt signaling pathway; plus strand). Cytogenetic location: 5q22.2.
Variant type: single nucleotide variant.
Coding change: c.1142C>T on transcript NM_000038.6 (MANE Select); coding-DNA position 1142, C replaced by T.
Protein change: p.Ala381Val; replaces alanine 381 with valine.
Molecular consequence: missense variant. On other transcripts: intron variant (4).
Genome position (GRCh38, 1-based): chr5:112,819,174, C>T. VCF-style: chr5-112819174-C-T. GRCh37 (hg19) VCF-style: chr5-112154871-C-T.
Other names: c.1142C>T, p.Ala381Val (NM_001127510.3, NM_001354895.2, NM_001354896.2); c.1088C>T, p.Ala363Val (NM_001127511.3); c.1172C>T, p.Ala391Val (NM_001354897.2); c.1067C>T, p.Ala356Val (NM_001354898.2); c.1058C>T, p.Ala353Val (NM_001354899.2); c.965C>T, p.Ala322Val (NM_001354900.2, NM_001354901.2); c.293C>T, p.Ala98Val (NM_001354906.2); c.964-95C>T (NM_001354902.2); and 3 more; short protein forms A363V, A381V, A356V, A353V, A322V, A98V, A391V.
Identifiers: ClinVar variation 422296 (VCV000422296.14), dbSNP rs1064795692, ClinGen allele CA16023809.